The following is an entry in ClinVar:

NM_024753.5(TTC21B):c.2895A>T (p.Lys965Asn)

Gene: TTC21B (tetratricopeptide repeat domain 21B; minus strand). Cytogenetic location: 2q24.3.
Variant type: single nucleotide variant.
Coding change: c.2895A>T on transcript NM_024753.5 (MANE Select); coding-DNA position 2895, A replaced by T.
Protein change: p.Lys965Asn; replaces lysine 965 with asparagine.
Molecular consequence: missense variant.
Genome position (GRCh38, 1-based): chr2:165,898,741, T>A on the plus strand (A>T on the coding strand, the complement: TTC21B is on the minus strand). VCF-style: chr2-165898741-T-A. GRCh37 (hg19) VCF-style: chr2-166755251-T-A.
Other names: short protein forms K965N.
Identifiers: ClinVar variation 331823 (VCV000331823.19), dbSNP rs146201603, ClinGen allele CA1941664.

ClinVar aggregate classification (germline): Conflicting classifications of pathogenicity. Review status: criteria provided, conflicting classifications (1 of 4 stars). 7 submissions from 6 submitters: Uncertain significance (3); Likely benign (3). 1 of the submissions does not count toward it. Last evaluated 2026-01-15.

Conditions:
Nephronophthisis. Also called: Juvenile Nephronophthisis. Identifiers: Orphanet 655, MedGen C0687120, MONDO:0019005, HP:0000090.
Jeune thoracic dystrophy. Also called: Short-rib thoracic dysplasia; Infantile thoracic dystrophy; Thoracic pelvic phalangeal dystrophy; Jeune's syndrome; Chondroectodermal dysplasia-like syndrome; Jeune syndrome. Identifiers: Orphanet 474, MedGen C0265275, MONDO:0018770.
Asphyxiating thoracic dystrophy 4 (SRTD4). Also called: SHORT-RIB THORACIC DYSPLASIA 4 WITH OR WITHOUT POLYDACTYLY; SHORT-RIB THORACIC DYSPLASIA 4. Identifiers: Orphanet 474, MedGen C3151185, MONDO:0013441, OMIM 613819.
Nephronophthisis 12 (NPHP12). Identifiers: Orphanet 655, MedGen C3151186, MONDO:0013442, OMIM 613820.
TTC21B-related disorder. Also called: TTC21B-related condition; TTC21B-related disorders.

Allele frequency attached by ClinVar (database versions not stated): TOPMed 0.00008; ExAC 0.00009; gnomAD 0.00009; ESP Exome Variant Server 0.00015; gnomAD exomes 0.00015.

Submissions (7):

Labcorp Genetics (formerly Invitae), Labcorp
Classification: Likely benign for Jeune thoracic dystrophy; Nephronophthisis. Last evaluated: 2026-01-15. Review status: criteria provided, single submitter. Criteria: Invitae Variant Classification Sherloc (09022015). Collection method: clinical testing. Allele origin: germline.

GeneDx
Classification: Uncertain significance. Last evaluated: 2025-04-27. Review status: criteria provided, single submitter. Criteria: GeneDx Variant Classification Process June 2021. Collection method: clinical testing. Allele origin: germline. Affected: yes.
Comment: In silico analysis supports that this missense variant has a deleterious effect on protein structure/function; Has not been previously published as pathogenic or benign to our knowledge

Blueprint Genetics
Classification: Likely benign. Last evaluated: 2024-10-18. Review status: criteria provided, single submitter. Criteria: ACMG Guidelines, 2015. Collection method: clinical testing. Allele origin: germline.

Fulgent Genetics
Classification: Likely benign for Asphyxiating thoracic dystrophy 4; Nephronophthisis 12. Last evaluated: 2024-03-04. Review status: criteria provided, single submitter. Criteria: ACMG Guidelines, 2015. Collection method: clinical testing. Allele origin: germline.

Illumina Laboratory Services, Illumina
Classification: Uncertain significance for Nephronophthisis 12. Last evaluated: 2018-01-12. Review status: criteria provided, single submitter. Criteria: ICSL Variant Classification Criteria 13 December 2019. Collection method: clinical testing. Allele origin: germline.

Illumina Laboratory Services, Illumina
Classification: Uncertain significance for Asphyxiating thoracic dystrophy 4. Last evaluated: 2018-01-12. Review status: criteria provided, single submitter. Criteria: ICSL Variant Classification Criteria 13 December 2019. Collection method: clinical testing. Allele origin: germline.

PreventionGenetics, part of Exact Sciences
Classification: Likely benign for TTC21B-related condition. Last evaluated: 2024-09-05. Review status: no assertion criteria provided. Collection method: clinical testing. Allele origin: germline. Not counted in ClinVar's aggregate classification.
Comment: This variant is classified as likely benign based on ACMG/AMP sequence variant interpretation guidelines (Richards et al. 2015 PMID: 25741868, with internal and published modifications).